The following is an entry in ClinVar:

ClinVar aggregate classification (germline): Uncertain significance. Review status: criteria provided, multiple submitters, no conflicts (2 of 4 stars). 2 submissions from 2 submitters: Uncertain significance (2). Last evaluated 2025-03-26.

Conditions:
Inborn genetic diseases. Identifiers: MedGen C0950123, MeSH D030342.

Submissions (2):

Ambry Genetics
Classification: Uncertain significance for Inborn genetic diseases. Last evaluated: 2025-03-26. Review status: criteria provided, single submitter. Criteria: Ambry Variant Classification Scheme 2023. Collection method: clinical testing. Allele origin: germline.

Labcorp Genetics (formerly Invitae), Labcorp
Classification: Uncertain significance. Last evaluated: 2024-02-29. Review status: criteria provided, single submitter. Criteria: Invitae Variant Classification Sherloc (09022015). Collection method: clinical testing. Allele origin: germline.
Comment: This sequence change replaces glycine, which is neutral and non-polar, with aspartic acid, which is acidic and polar, at codon 840 of the SCN3A protein (p.Gly840Asp). This variant is not present in population databases (gnomAD no frequency). This variant has not been reported in the literature in individuals affected with SCN3A-related conditions. Advanced modeling of protein sequence and biophysical properties (such as structural, functional, and spatial information, amino acid conservation, physicochemical variation, residue mobility, and thermodynamic stability) has been performed at Invitae for this missense variant, however the output from this modeling did not meet the statistical confidence thresholds required to predict the impact of this variant on SCN3A protein function. In summary, the available evidence is currently insufficient to determine the role of this variant in disease. Therefore, it has been classified as a Variant of Uncertain Significance.

NM_006922.4(SCN3A):c.2519G>A (p.Gly840Asp)

Gene: SCN3A (sodium voltage-gated channel alpha subunit 3; minus strand). Cytogenetic location: 2q24.3.
Variant type: single nucleotide variant.
Coding change: c.2519G>A on transcript NM_006922.4 (MANE Select); coding-DNA position 2519, G replaced by A.
Protein change: p.Gly840Asp; replaces glycine 840 with aspartic acid.
Molecular consequence: missense variant.
Genome position (GRCh38, 1-based): chr2:165,131,290, C>T on the plus strand (G>A on the coding strand, the complement: SCN3A is on the minus strand). VCF-style: chr2-165131290-C-T. GRCh37 (hg19) VCF-style: chr2-165987800-C-T.
Other names: c.2519G>A (NM_006922.3); c.2372G>A, p.Gly791Asp (NM_001081676.2, NM_001081677.2); short protein forms G791D, G840D.
Identifiers: ClinVar variation 3689459 (VCV003689459.3).